The following is an entry in ClinVar:

NM_000548.5(TSC2):c.600-5T>C

Gene: TSC2 (TSC complex subunit 2; plus strand). Cytogenetic location: 16p13.3.
Variant type: single nucleotide variant.
Coding change: c.600-5T>C on transcript NM_000548.5 (MANE Select); 5 bases into the intron before coding-DNA position 600, T replaced by C.
Molecular consequence: intron variant.
Genome position (GRCh38, 1-based): chr16:2,056,191, T>C. VCF-style: chr16-2056191-T-C. GRCh37 (hg19) VCF-style: chr16-2106192-T-C.
Other names: c.600-5T>C (NM_001114382.3, NM_021055.3, NM_001370405.1 and 3 more transcripts); c.489-5T>C (NM_001318827.2); c.-1-5T>C (NM_001318831.2); c.453-5T>C (NM_001318829.2); c.633-5T>C (NM_001318832.2).
Identifiers: ClinVar variation 753126 (VCV000753126.14), dbSNP rs779176291, ClinGen allele CA055707.
Genomic context (GRCh38, chr16:2,056,191, plus strand): 5'-CACAGCCCGTGGTGGCTCGGCCATCCAGGCAGTGCTGCCGGGACTGAGCTCGGTGCTCCC[T>C]GCAGGATGATCTGTCTGCTGTGCGTCCGGACCGCGTCCTCTGTGGACATAGAGGTCAGTG-3'

ClinVar aggregate classification (germline): Conflicting classifications of pathogenicity. Review status: criteria provided, conflicting classifications (1 of 4 stars). 4 submissions from 4 submitters: Uncertain significance (1); Likely benign (3). Last evaluated 2025-08-21.

Conditions:
Hereditary cancer-predisposing syndrome. Also called: Tumor predisposition; Hereditary Cancer Syndrome; Neoplastic Syndromes, Hereditary; Hereditary neoplastic syndrome. Identifiers: Orphanet 140162, MedGen C0027672, MeSH D009386, MONDO:0015356.
Tuberous sclerosis syndrome (TSC). Also called: Tuberous sclerosis; Tuberous Sclerosis Complex. Identifiers: Orphanet 805, MedGen C0041341, MONDO:0001734.
Tuberous sclerosis 2 (TSC2). Identifiers: Orphanet 805, MedGen C1860707, MONDO:0013199, OMIM 613254.

Allele frequency attached by ClinVar (database versions not stated): ExAC 0.00001.

Submissions (4):

Labcorp Genetics (formerly Invitae), Labcorp
Classification: Likely benign for Tuberous sclerosis 2. Last evaluated: 2025-08-21. Review status: criteria provided, single submitter. Criteria: Invitae Variant Classification Sherloc (09022015). Collection method: clinical testing. Allele origin: germline.

Myriad Genetics, Inc.
Classification: Likely benign for Tuberous sclerosis 2. Last evaluated: 2025-05-08. Review status: criteria provided, single submitter. Criteria: Myriad Autosomal Dominant, Autosomal Recessive and X-Linked Classification Criteria (2023). Collection method: clinical testing. Allele origin: unknown.
Comment: This variant is considered likely benign. This variant is intronic and is not expected to impact mRNA splicing.

Ambry Genetics
Classification: Uncertain significance for Hereditary cancer-predisposing syndrome. Last evaluated: 2024-09-23. Review status: criteria provided, single submitter. Criteria: Ambry Variant Classification Scheme 2023. Collection method: clinical testing. Allele origin: germline.
Comment: The c.600-5T>C intronic variant results from a T to C substitution 5 nucleotides upstream from coding exon 6 in the TSC2 gene. This nucleotide position is poorly conserved in available vertebrate species. In silico splice site analysis predicts that this alteration will not have any significant effect on splicing. Since supporting evidence is limited at this time, the clinical significance of this alteration remains unclear.

All of Us Research Program, National Institutes of Health
Classification: Likely benign for Tuberous sclerosis syndrome. Last evaluated: 2023-03-23. Review status: criteria provided, single submitter. Criteria: ACMG Guidelines, 2015. Collection method: clinical testing. Allele origin: germline. Inheritance: Autosomal dominant inheritance. Observed: 1 variant allele, 1 heterozygote.
Comment: This study involves interpretation of variants in research participants for the purpose of population health screening. Participant phenotype was not available at the time of variant classification. Additional details can be found in publication PMID: 35346344, PMCID: PMC8962531